The following is an entry in ClinVar:

NM_006218.4(PIK3CA):c.2289C>G (p.Asn763Lys)

Gene: PIK3CA (phosphatidylinositol-4,5-bisphosphate 3-kinase catalytic subunit alpha; plus strand). Cytogenetic location: 3q26.32.
Variant type: single nucleotide variant.
Coding change: c.2289C>G on transcript NM_006218.4 (MANE Select); coding-DNA position 2289, C replaced by G.
Protein change: p.Asn763Lys; replaces asparagine 763 with lysine.
Molecular consequence: missense variant.
Genome position (GRCh38, 1-based): chr3:179,224,182, C>G. VCF-style: chr3-179224182-C-G. GRCh37 (hg19) VCF-style: chr3-178941970-C-G.
Other names: short protein forms N763K.
Identifiers: ClinVar variation 1789052 (VCV001789052.2), dbSNP rs2108417002, ClinGen allele CA355271087.
Genomic context (GRCh38, chr3:179,224,182, plus strand): 5'-TTTCATGGATGCTCTACAGGGCTTTCTGTCTCCTCTAAACCCTGCTCATCAACTAGGAAA[C>G]CTCAGGTACTTTCTTGGGGGTTTCATTGATATATTTAAATAAATACCTTTTCTGGATAAA-3'
Protein context (NP_006209.2, residues 753-773): SPLNPAHQLG[Asn763Lys]LRLEECRIMS

ClinVar aggregate classification (germline): Uncertain significance (1 of 4 stars; one submission).

Conditions:
Inborn genetic diseases. Identifiers: MedGen C0950123, MeSH D030342.

Submission:

Ambry Genetics
Classification: Uncertain significance for Inborn genetic diseases. Last evaluated: 2022-02-28. Review status: criteria provided, single submitter. Criteria: Ambry Variant Classification Scheme 2023. Collection method: clinical testing. Allele origin: germline.
Comment: The p.N763K variant (also known as c.2289C>G), located in coding exon 14 of the PIK3CA gene, results from a C to G substitution at nucleotide position 2289. The asparagine at codon 763 is replaced by lysine, an amino acid with similar properties. This amino acid position is conserved. In addition, this alteration is predicted to be tolerated by in silico analysis. Since supporting evidence is limited at this time, the clinical significance of this alteration remains unclear.